The following is an entry in ClinVar:

NM_005866.4(SIGMAR1):c.445+1G>A

Gene: SIGMAR1 (sigma receptor chaperone 1; minus strand). Cytogenetic location: 9p13.3.
Variant type: single nucleotide variant.
Coding change: c.445+1G>A on transcript NM_005866.4 (MANE Select); the canonical splice donor site of the intron after coding-DNA position 445, G replaced by A.
Molecular consequence: splice donor variant. On other transcripts: intron variant (2).
Genome position (GRCh38, 1-based): chr9:34,636,996, C>T on the plus strand (G>A on the coding strand, the complement: SIGMAR1 is on the minus strand). VCF-style: chr9-34636996-C-T. GRCh37 (hg19) VCF-style: chr9-34636993-C-T.
Other names: c.385+1G>A (NM_001282207.2); c.305+271G>A (NM_001282209.2); c.145+1G>A (NM_001282206.2); c.352+224G>A (NM_147157.3); c.445+1G>A (NM_001282205.2); c.468+1G>A (NM_001282208.2).
Identifiers: ClinVar variation 3756143 (VCV003756143.2).

ClinVar aggregate classification (germline): Pathogenic (1 of 4 stars; one submission).

Conditions:
Autosomal recessive distal spinal muscular atrophy 2. Also called: NEURONOPATHY, DISTAL HEREDITARY MOTOR, JERASH TYPE; NEUROPATHY, DISTAL HEREDITARY MOTOR, JERASH TYPE; SPINAL MUSCULAR ATROPHY, JERASH TYPE; Hereditary motor neuropathy, Jerash type; Motor neuropathy, distal, Jerash type; NEUROPATHY, DISTAL HEREDITARY MOTOR, AUTOSOMAL RECESSIVE 2. Identifiers: Orphanet 139552, MedGen C1854023, MONDO:0011585, OMIM 605726.
Amyotrophic lateral sclerosis type 16. Also called: AMYOTROPHIC LATERAL SCLEROSIS 16, JUVENILE. Identifiers: Orphanet 300605, MedGen C3280587, MONDO:0013715, OMIM 614373.

Submission:

Labcorp Genetics (formerly Invitae), Labcorp
Classification: Pathogenic for Autosomal recessive distal spinal muscular atrophy 2; Amyotrophic lateral sclerosis type 16. Last evaluated: 2024-05-01. Review status: criteria provided, single submitter. Criteria: Invitae Variant Classification Sherloc (09022015). Collection method: clinical testing. Allele origin: germline.
Comment: This sequence change affects a donor splice site in intron 3 of the SIGMAR1 gene. While this variant is not anticipated to result in nonsense mediated decay, it likely alters RNA splicing and results in a disrupted protein product. This variant is not present in population databases (gnomAD no frequency). This variant has not been reported in the literature in individuals affected with SIGMAR1-related conditions. Variants that disrupt the consensus splice site are a relatively common cause of aberrant splicing (PMID: 17576681, 9536098). Algorithms developed to predict the effect of sequence changes on RNA splicing suggest that this variant may disrupt the consensus splice site. This variant disrupts a region of the SIGMAR1 protein in which other variant(s) (p.Asn167Ile) have been determined to be pathogenic (PMID: 31511340). This suggests that this is a clinically significant region of the protein, and that variants that disrupt it are likely to be disease-causing. For these reasons, this variant has been classified as Pathogenic.

Literature cited by the submitters: PubMed 17576681; PubMed 9536098; PubMed 31511340.